The following is an entry in ClinVar:

ClinVar aggregate classification (germline): Uncertain significance (1 of 4 stars; one submission).

Conditions:
X-linked immunodeficiency with magnesium defect, Epstein-Barr virus infection and neoplasia. Identifiers: Orphanet 317476, MedGen C3275445, MONDO:0010455, OMIM 300853.

Allele frequency attached by ClinVar (database versions not stated): TOPMed below 0.00001; ExAC 0.00001; gnomAD exomes 0.00002 and 0.00003.
gnomAD v4.1: 29 of 1,208,103 alleles (0.0024%); highest among the groups gnomAD compares: Non-Finnish European, 0.0029%; no homozygotes.

Submission:

Labcorp Genetics (formerly Invitae), Labcorp
Classification: Uncertain significance for X-linked immunodeficiency with magnesium defect, Epstein-Barr virus infection and neoplasia. Last evaluated: 2025-10-21. Review status: criteria provided, single submitter. Criteria: Invitae Variant Classification Sherloc (09022015). Collection method: clinical testing. Allele origin: germline.
Comment: This sequence change replaces valine, which is neutral and non-polar, with isoleucine, which is neutral and non-polar, at codon 121 of the MAGT1 protein (p.Val121Ile). This variant is present in population databases (rs782335487, gnomAD 0.008%). This variant has not been reported in the literature in individuals affected with MAGT1-related conditions. ClinVar contains an entry for this variant (Variation ID: 937525). Invitae Evidence Modeling of protein sequence and biophysical properties (such as structural, functional, and spatial information, amino acid conservation, physicochemical variation, residue mobility, and thermodynamic stability) indicates that this missense variant is not expected to disrupt MAGT1 protein function with a negative predictive value of 80%. In summary, the available evidence is currently insufficient to determine the role of this variant in disease. Therefore, it has been classified as a Variant of Uncertain Significance.

NM_001367916.1(MAGT1):c.265G>A (p.Val89Ile)

Gene: MAGT1 (magnesium transporter 1; minus strand). Cytogenetic location: Xq21.1.
Variant type: single nucleotide variant.
Coding change: c.265G>A on transcript NM_001367916.1 (MANE Select); coding-DNA position 265, G replaced by A.
Protein change: p.Val89Ile; replaces valine 89 with isoleucine.
Molecular consequence: missense variant.
Genome position (GRCh38, 1-based): chrX:77,875,435, C>T on the plus strand (G>A on the coding strand, the complement: MAGT1 is on the minus strand). VCF-style: chrX-77875435-C-T. GRCh37 (hg19) VCF-style: chrX-77130932-C-T.
Other names: c.361G>A, p.Val121Ile (NM_032121.5); short protein forms V89I, V121I.
Identifiers: ClinVar variation 937525 (VCV000937525.9), dbSNP rs782335487, ClinGen allele CA10458574.